The following is an entry in ClinVar:

NM_000548.5(TSC2):c.1059C>T (p.Leu353=)

Gene: TSC2 (TSC complex subunit 2; plus strand). Cytogenetic location: 16p13.3.
Variant type: single nucleotide variant.
Coding change: c.1059C>T on transcript NM_000548.5 (MANE Select); coding-DNA position 1059, C replaced by T.
Protein change: p.Leu353=; no amino-acid change (leucine 353 retained).
Molecular consequence: synonymous variant.
Genome position (GRCh38, 1-based): chr16:2,060,753, C>T. VCF-style: chr16-2060753-C-T. GRCh37 (hg19) VCF-style: chr16-2110754-C-T.
Other names: p.L353L:CTC>CTT; c.1059C>T, p.Leu353= (NM_001077183.3, NM_001114382.3, NM_001363528.2 and 3 more transcripts); c.948C>T, p.Leu316= (NM_001318827.2); c.912C>T, p.Leu304= (NM_001318829.2); c.459C>T, p.Leu153= (NM_001318831.2); c.1092C>T, p.Leu364= (NM_001318832.2).
Identifiers: ClinVar variation 207653 (VCV000207653.16), dbSNP rs796053472, ClinGen allele CA319339.
Genomic context (GRCh38, chr16:2,060,753, plus strand): 5'-GGTGTCCTATGAGATCGTCCTGTCCATCACCAGGCTCATCAAGAAGTATAGGAAGGAGCT[C>T]CAGGTGGTGGCGTGGGACATTCTGCTGAACATCATCGAACGGCTCCTTCAGCAGCTCCAG-3'
Protein context (NP_000539.2, residues 343-363): TRLIKKYRKE[Leu353=]QVVAWDILLN

ClinVar aggregate classification (germline): Benign/Likely benign. Review status: criteria provided, multiple submitters, no conflicts (2 of 4 stars). 5 submissions from 5 submitters: Benign (3); Likely benign (2). Last evaluated 2025-05-13.

Conditions:
Hereditary cancer-predisposing syndrome. Also called: Neoplastic Syndromes, Hereditary; Hereditary Cancer Syndrome; Tumor predisposition; Hereditary neoplastic syndrome. Identifiers: Orphanet 140162, MedGen C0027672, MeSH D009386, MONDO:0015356.
Tuberous sclerosis 2 (TSC2). Identifiers: Orphanet 805, MedGen C1860707, MONDO:0013199, OMIM 613254.

Allele frequency attached by ClinVar (database versions not stated): gnomAD exomes below 0.00001; TOPMed below 0.00001; gnomAD 0.00003.
gnomAD v4.1: 5 of 1,613,968 alleles (0.00031%); highest among the groups gnomAD compares: African/African-American, 0.0067%; no homozygotes.

Submissions (5):

Myriad Genetics, Inc.
Classification: Benign for Tuberous sclerosis 2. Last evaluated: 2025-05-13. Review status: criteria provided, single submitter. Criteria: Myriad Autosomal Dominant, Autosomal Recessive and X-Linked Classification Criteria (2023). Collection method: clinical testing. Allele origin: unknown.
Comment: This variant is considered benign. This variant is a silent/synonymous amino acid change and it is not expected to impact splicing.

Labcorp Genetics (formerly Invitae), Labcorp
Classification: Likely benign for Tuberous sclerosis 2. Last evaluated: 2025-04-11. Review status: criteria provided, single submitter. Criteria: Invitae Variant Classification Sherloc (09022015). Collection method: clinical testing. Allele origin: germline.

Ambry Genetics
Classification: Likely benign for Hereditary cancer-predisposing syndrome. Last evaluated: 2023-01-26. Review status: criteria provided, single submitter. Criteria: Ambry Variant Classification Scheme 2023. Collection method: clinical testing. Allele origin: germline.

Genome-Nilou Lab
Classification: Benign for Tuberous sclerosis 2. Last evaluated: 2021-11-07. Review status: criteria provided, single submitter. Criteria: ACMG Guidelines, 2015. Collection method: clinical testing. Allele origin: germline. Affected: no.

GeneDx
Classification: Benign. Last evaluated: 2014-08-27. Review status: criteria provided, single submitter. Criteria: GeneDx Variant Classification (06012015). Collection method: clinical testing. Allele origin: germline. Affected: yes.
Comment: This variant is considered likely benign or benign based on one or more of the following criteria: it is a conservative change, it occurs at a poorly conserved position in the protein, it is predicted to be benign by multiple in silico algorithms, and/or has population frequency not consistent with disease.